The following is an entry in ClinVar:

NM_000092.5(COL4A4):c.4685_4686del (p.Tyr1562fs)

Gene: COL4A4 (collagen type IV alpha 4 chain; minus strand). Cytogenetic location: 2q36.3.
Variant type: Deletion.
Coding change: c.4685_4686del on transcript NM_000092.5 (MANE Select); coding-DNA positions 4685 to 4686, 2 bases deleted (AT; older notation c.4685_4686delAT).
Protein change: p.Tyr1562fs; shifts the reading frame from tyrosine 1562.
Molecular consequence: frameshift variant.
Genome position (GRCh38, 1-based): chr2:227,008,141-227,008,142, AT deleted on the plus strand (AT on the coding strand, the reverse complement: COL4A4 is on the minus strand); deleting any 2 consecutive bases within chr2:227,008,141-227,008,143 gives the same sequence; the c. name uses the placement nearest the transcript's 3' end. VCF-style (leftmost placement, unchanged base first): chr2-227008140-CAT-C. GRCh37 (hg19) VCF-style: chr2-227872856-CAT-C.
Other names: c.4685_4686delAT (NM_000092.4); short protein forms Y1562fs.
Identifiers: ClinVar variation 949749 (VCV000949749.12), dbSNP rs1481294022, ClinGen allele CA540312148.

ClinVar aggregate classification (germline): Pathogenic/Likely pathogenic. Review status: criteria provided, multiple submitters, no conflicts (2 of 4 stars). 4 submissions from 4 submitters: Pathogenic (2); Likely pathogenic (2). Last evaluated 2026-04-03.

Conditions:
COL4A4-related disorder.
Alport syndrome. Also called: Hemorrhagic familial nephritis; Hemorrhagic hereditary nephritis; Congenital hereditary hematuria. Identifiers: Orphanet 63, MedGen C1567741, MONDO:0018965.

Submissions (4):

Myriad Genetics, Inc.
Classification: Pathogenic for Alport syndrome. Last evaluated: 2026-04-03. Review status: criteria provided, single submitter. Criteria: Myriad Autosomal Dominant, Autosomal Recessive and X-Linked Classification Criteria (2023). Collection method: clinical testing. Allele origin: unknown.
Comment: NM_000092.4(COL4A4):c.4685_4686delAT(Y1562Cfs*71) is a frameshift variant classified as pathogenic in the context of Alport syndrome, COL4A4-related. Y1562Cfs*71 has not been observed in cases with relevant disease. Relevant functional assessments of this variant are not available in the literature. Y1562Cfs*71 has been observed in referenced population frequency databases. In summary, NM_000092.4(COL4A4):c.4685_4686delAT(Y1562Cfs*71) is a frameshift variant in a gene where loss of function is a known mechanism of disease and is predicted to disrupt protein function. Please note: this variant was assessed in the context of healthy population screening.

Natera, Inc.
Classification: Likely pathogenic for Alport syndrome. Last evaluated: 2024-03-21. Review status: criteria provided, single submitter. Criteria: Natera Variant Classification Schema (03/2026). Collection method: clinical testing. Allele origin: germline.
Comment: The c.4685_4686delAT variant in COL4A4 is a frameshift variant predicted to shift the reading frame beginning at codon 1562 and leads to a stop codon 71 codons downstream. This variant is expected to result in nonsense mediated decay, truncation, or a dysfunctional protein product. This variant is rare in the general population with a frequency below the threshold expected for the associated phenotype(s). Given the available evidence, this variant is classified as Likely Pathogenic.

Blueprint Genetics
Classification: Likely pathogenic for COL4A4-related disorders. Last evaluated: 2023-05-19. Review status: criteria provided, single submitter. Criteria: ACMG Guidelines, 2015. Collection method: clinical testing. Allele origin: germline. Affected: yes. Observed: 2 variant alleles.

Labcorp Genetics (formerly Invitae), Labcorp
Classification: Pathogenic. Last evaluated: 2022-02-10. Review status: criteria provided, single submitter. Criteria: Invitae Variant Classification Sherloc (09022015). Collection method: clinical testing. Allele origin: germline.
Comment: ClinVar contains an entry for this variant (Variation ID: 949749). This variant disrupts a region of the COL4A4 protein in which other variant(s) (p.Arg1682Glyfs*6) have been determined to be pathogenic (Invitae). This suggests that this is a clinically significant region of the protein, and that variants that disrupt it are likely to be disease-causing. For these reasons, this variant has been classified as Pathogenic. This variant is present in population databases (no rsID available, gnomAD 0.0009%). This sequence change creates a premature translational stop signal (p.Tyr1562Cysfs*71) in the COL4A4 gene. While this is not anticipated to result in nonsense mediated decay, it is expected to disrupt the last 129 amino acid(s) of the COL4A4 protein. This variant has not been reported in the literature in individuals affected with COL4A4-related conditions.